The following is an entry in ClinVar:

ClinVar aggregate classification (germline): Likely pathogenic (1 of 4 stars; one submission).

Conditions:
Hyperinsulinemic hypoglycemia, familial, 1 (HHF1). Also called: HYPERINSULINISM, FAMILIAL, WITH PANCREATIC NESIDIOBLASTOSIS; HYPOGLYCEMIA, HYPERINSULINEMIC, OF INFANCY; NESIDIOBLASTOSIS OF PANCREAS; Persistent hyperinsulinemic hypoglycemia of infancy; Persistent Hyperinsulinemia Hypoglycemia of Infancy. Identifiers: Orphanet 276575, Orphanet 276598, MedGen C2931832, MONDO:0009734, OMIM 256450.

Submission:

Myriad Genetics, Inc.
Classification: Likely pathogenic for Hyperinsulinemic hypoglycemia, familial, 1. Last evaluated: 2022-02-19. Review status: criteria provided, single submitter. Criteria: Myriad Women's Health Autosomal Recessive and X-Linked Classification Criteria (2021). Collection method: clinical testing. Allele origin: unknown.
Comment: NM_000352.3(ABCC8):c.3958delA(T1320Pfs*14) is expected to be pathogenic in the context of familial hyperinsulinism, ABCC8-related. This variant is predicted to lead to an abnormal or absent protein product due to the creation of a premature termination codon in ABCC8, a gene where loss-of-function variants are known to be pathogenic. Please note: this variant was assessed in the context of healthy population screening.

NM_000352.6(ABCC8):c.3958del (p.Thr1320fs)

Gene: ABCC8 (ATP binding cassette subfamily C member 8; minus strand). Cytogenetic location: 11p15.1.
Variant type: Deletion.
Coding change: c.3958del on transcript NM_000352.6 (MANE Select); coding-DNA position 3958, one base deleted (A; older notation c.3958delA).
Protein change: p.Thr1320fs; shifts the reading frame from threonine 1320.
Molecular consequence: frameshift variant. On other transcripts: non-coding transcript variant (1).
Genome position (GRCh38, 1-based): chr11:17,397,223, T deleted on the plus strand (A on the coding strand, the reverse complement: ABCC8 is on the minus strand); the first of 4 consecutive T bases (chr11:17,397,223-17,397,226); deleting any one gives the same sequence. VCF-style (leftmost placement, unchanged base first): chr11-17397222-GT-G. GRCh37 (hg19) VCF-style: chr11-17418769-GT-G.
Other names: c.3961del, p.Thr1321fs (NM_001287174.3); c.4024del, p.Thr1342fs (NM_001351295.2); c.3958del, p.Thr1320fs (NM_001351296.2); c.3955del, p.Thr1319fs (NM_001351297.2); short protein forms T1319fs, T1320fs, T1321fs, T1342fs.
Identifiers: ClinVar variation 1724534 (VCV001724534.2), dbSNP rs2496464774, ClinGen allele CA2580082737.